The following is an entry in ClinVar:

ClinVar aggregate classification (germline): Pathogenic (1 of 4 stars; one submission).

Conditions:
Tatton-Brown-Rahman overgrowth syndrome. Also called: Tatton-Brown-Rahman syndrome; Tall stature-intellectual disability-facial dysmorphism syndrome. Identifiers: Orphanet 404443, MedGen C4014545, MONDO:0014382, OMIM 615879.

Submission:

Labcorp Genetics (formerly Invitae), Labcorp
Classification: Pathogenic for Tatton-Brown-Rahman overgrowth syndrome. Last evaluated: 2023-10-05. Review status: criteria provided, single submitter. Criteria: Invitae Variant Classification Sherloc (09022015). Collection method: clinical testing. Allele origin: germline.
Comment: This sequence change creates a premature translational stop signal (p.Asp11Thrfs*61) in the DNMT3A gene. It is expected to result in an absent or disrupted protein product. Loss-of-function variants in DNMT3A are known to be pathogenic (PMID: 24614070). This variant is not present in population databases (gnomAD no frequency). This variant has not been reported in the literature in individuals affected with DNMT3A-related conditions. For these reasons, this variant has been classified as Pathogenic.

Literature cited by the submitters: PubMed 24614070.

NM_022552.5(DNMT3A):c.27del (p.Asp11fs)

Gene: DNMT3A (DNA methyltransferase 3 alpha; minus strand). Cytogenetic location: 2p23.3.
Variant type: Deletion.
Coding change: c.27del on transcript NM_022552.5 (MANE Select); coding-DNA position 27, one base deleted (C; older notation c.27delC).
Protein change: p.Asp11fs; shifts the reading frame from aspartic acid 11.
Molecular consequence: frameshift variant. On other transcripts: non-coding transcript variant (1).
Genome position (GRCh38, 1-based): chr2:25,313,958, G deleted on the plus strand (C on the coding strand, the reverse complement: DNMT3A is on the minus strand); the first of 4 consecutive G bases (chr2:25,313,958-25,313,961); deleting any one gives the same sequence. VCF-style (leftmost placement, unchanged base first): chr2-25313957-CG-C. GRCh37 (hg19) VCF-style: chr2-25536826-CG-C.
Other names: c.27del, p.Asp11fs (NM_175629.2, NM_175630.1, NM_001320892.2); short protein forms D11fs.
Identifiers: ClinVar variation 2793682 (VCV002793682.3), dbSNP rs2466005252, ClinGen allele CA2658174289.